The following is an entry in ClinVar:

NM_004006.3(DMD):c.572C>T (p.Ser191Leu)

Gene: DMD (dystrophin; minus strand). Cytogenetic location: Xp21.1.
Variant type: single nucleotide variant.
Coding change: c.572C>T on transcript NM_004006.3 (MANE Select); coding-DNA position 572, C replaced by T.
Protein change: p.Ser191Leu; replaces serine 191 with leucine.
Molecular consequence: missense variant.
Genome position (GRCh38, 1-based): chrX:32,809,570, G>A on the plus strand (C>T on the coding strand, the complement: DMD is on the minus strand). VCF-style: chrX-32809570-G-A. GRCh37 (hg19) VCF-style: chrX-32827687-G-A.
Other names: c.548C>T, p.Ser183Leu (NM_000109.4); c.560C>T, p.Ser187Leu (NM_004009.3); c.203C>T, p.Ser68Leu (NM_004010.3); short protein forms S187L, S183L, S191L, S68L.
Identifiers: ClinVar variation 2127496 (VCV002127496.5), dbSNP rs794727863, ClinGen allele CA412673914.

ClinVar aggregate classification (germline): Uncertain significance. Review status: criteria provided, multiple submitters, no conflicts (2 of 4 stars). 2 submissions from 2 submitters: Uncertain significance (2). Last evaluated 2024-12-14.

Conditions:
Cardiovascular phenotype. Identifiers: MedGen CN230736.
Duchenne muscular dystrophy (DMD). Also called: MUSCULAR DYSTROPHY, PSEUDOHYPERTROPHIC PROGRESSIVE, DUCHENNE TYPE; Duchenne Muscular Dystrophy (DMD). Identifiers: Orphanet 98896, MedGen C0013264, MONDO:0010679, OMIM 310200.

Allele frequency attached by ClinVar (database versions not stated): TOPMed below 0.00001; gnomAD 0.00002.
gnomAD v4.1: 2 of 1,208,714 alleles (0.00017%); highest among the groups gnomAD compares: Non-Finnish European, 0.00022%; no homozygotes.

Submissions (2):

Ambry Genetics
Classification: Uncertain significance for Cardiovascular phenotype. Last evaluated: 2024-12-14. Review status: criteria provided, single submitter. Criteria: Ambry Variant Classification Scheme 2023. Collection method: clinical testing. Allele origin: germline.
Comment: The p.S191L variant (also known as c.572C>T), located in coding exon 7 of the DMD gene, results from a C to T substitution at nucleotide position 572. The serine at codon 191 is replaced by leucine, an amino acid with dissimilar properties. This amino acid position is well conserved in available vertebrate species. In addition, this alteration is predicted to be deleterious by in silico analysis. Based on the available evidence, the clinical significance of this variant remains unclear.

Labcorp Genetics (formerly Invitae), Labcorp
Classification: Uncertain significance for Duchenne muscular dystrophy. Last evaluated: 2022-09-09. Review status: criteria provided, single submitter. Criteria: Invitae Variant Classification Sherloc (09022015). Collection method: clinical testing. Allele origin: germline.
Comment: This sequence change replaces serine, which is neutral and polar, with leucine, which is neutral and non-polar, at codon 191 of the DMD protein (p.Ser191Leu). This variant is not present in population databases (gnomAD no frequency). This variant has not been reported in the literature in individuals affected with DMD-related conditions. Advanced modeling of protein sequence and biophysical properties (such as structural, functional, and spatial information, amino acid conservation, physicochemical variation, residue mobility, and thermodynamic stability) performed at Invitae indicates that this missense variant is not expected to disrupt DMD protein function. In summary, the available evidence is currently insufficient to determine the role of this variant in disease. Therefore, it has been classified as a Variant of Uncertain Significance.